The following is an entry in ClinVar:

ClinVar aggregate classification (germline): Likely pathogenic (0 of 4 stars; one submission).

Conditions:
CENPF-related disorder. Also called: CENPF-related condition.

Submission:

PreventionGenetics, part of Exact Sciences
Classification: Likely pathogenic for CENPF-related condition. Last evaluated: 2024-06-15. Review status: no assertion criteria provided. Collection method: clinical testing. Allele origin: germline.
Comment: The CENPF c.5811dupA variant is predicted to result in a frameshift and premature protein termination (p.Asp1938Argfs*3). To our knowledge, this variant has not been reported in the literature or in a large population database, indicating this variant is rare. Frameshift variants in CENPF are expected to be pathogenic. This variant is interpreted as likely pathogenic.

NM_016343.4(CENPF):c.5811dup (p.Asp1938fs)

Gene: CENPF (centromere protein F; plus strand). Cytogenetic location: 1q41.
Variant type: Duplication.
Coding change: c.5811dup on transcript NM_016343.4 (MANE Select); coding-DNA position 5811, one base duplicated (A; older notation c.5811dupA).
Protein change: p.Asp1938fs; shifts the reading frame from aspartic acid 1938.
Molecular consequence: frameshift variant.
Genome position (GRCh38, 1-based): chr1:214,645,381, A duplicated; the last of 5 consecutive A bases (chr1:214,645,377-214,645,381); duplicating any one gives the same sequence. VCF-style (leftmost placement, unchanged base first): chr1-214645376-G-GA. GRCh37 (hg19) VCF-style: chr1-214818719-G-GA.
Other names: short protein forms D1938fs.
Identifiers: ClinVar variation 3344063 (VCV003344063.1).